The following is an entry in ClinVar:

ClinVar aggregate classification (germline): Pathogenic/Likely pathogenic. Review status: criteria provided, multiple submitters, no conflicts (2 of 4 stars). 2 submissions from 2 submitters: Pathogenic (1); Likely pathogenic (1). Last evaluated 2025-02-20.

Conditions:
Familial cold autoinflammatory syndrome 2 (FCAS2). Identifiers: Orphanet 247868, MedGen C2673198, MONDO:0012724, OMIM 611762.

Allele frequency attached by ClinVar (database versions not stated): TOPMed below 0.00001.
gnomAD v4.1: 5 of 1,554,506 alleles (0.00032%); highest among the groups gnomAD compares: South Asian, 0.0011%; no homozygotes.

Submissions (2):

3billion
Classification: Pathogenic for Familial cold autoinflammatory syndrome 2. Last evaluated: 2025-02-20. Review status: criteria provided, single submitter. Criteria: ACMG Guidelines, 2015. Collection method: clinical testing. Allele origin: germline. Affected: yes.
Comment: The variant is observed at an extremely low frequency in the gnomAD v4.1.0 dataset (total allele frequency: <0.001%). Predicted Consequence/Location: Canonical splice site: predicted to alter splicing and result in a loss or disruption of normal protein function. Multiple pathogenic loss-of-function variants are reported downstream of the variant. In silico tools predict the variant to alter splicing and produce an abnormal transcript [SpliceAI: 1.00 (spliceogenicity >=0.2, non-spliceogenicity <0.1)]. The variant has been reported to be associated with NLRP12-related disorder (ClinVar ID: VCV001299510). Therefore, this variant is classified as Pathogenic according to the recommendation of ACMG/AMP guideline.

Laboratory of Medical Genetics, National & Kapodistrian University of Athens
Classification: Likely pathogenic for Familial cold autoinflammatory syndrome 2. Last evaluated: 2021-10-01. Review status: criteria provided, single submitter. Criteria: ACMG Guidelines, 2015. Collection method: clinical testing. Allele origin: unknown. Affected: yes.
Comment: PVS1, PM2

NM_144687.4(NLRP12):c.2072+1G>C

Gene: NLRP12 (NLR family pyrin domain containing 12; minus strand). Cytogenetic location: 19q13.42.
Variant type: single nucleotide variant.
Coding change: c.2072+1G>C on transcript NM_144687.4 (MANE Select); the canonical splice donor site of the intron after coding-DNA position 2072, G replaced by C.
Molecular consequence: splice donor variant.
Genome position (GRCh38, 1-based): chr19:53,809,586, C>G on the plus strand (G>C on the coding strand, the complement: NLRP12 is on the minus strand). VCF-style: chr19-53809586-C-G. GRCh37 (hg19) VCF-style: chr19-54312840-C-G.
Other names: c.2072+1G>C (NM_001277129.1, NM_001277126.2).
Identifiers: ClinVar variation 1299510 (VCV001299510.2), dbSNP rs766603266, ClinGen allele CA9639272.